The following is an entry in ClinVar:

NC_000016.9:g.(?_69728151)_(69731549_?)del

Gene: NFAT5 (nuclear factor of activated T cells 5; plus strand). Cytogenetic location: 16q22.1.
Variant type: Deletion.
Identifiers: ClinVar variation 2427267 (VCV002427267.4).

ClinVar aggregate classification (germline): Uncertain significance (1 of 4 stars; one submission).

Conditions:
Immunodeficiency. Identifiers: MedGen C0021051, MONDO:0021094, HP:0002721.

Submission:

Labcorp Genetics (formerly Invitae), Labcorp
Classification: Uncertain significance for Immunodeficiency. Last evaluated: 2022-09-18. Review status: criteria provided, single submitter. Criteria: Invitae Variant Classification Sherloc (09022015). Collection method: clinical testing. Allele origin: germline.
Comment: In summary, the available evidence is currently insufficient to determine the role of this variant in disease. Therefore, it has been classified as a Variant of Uncertain Significance. Experimental studies and prediction algorithms are not available or were not evaluated, and the functional significance of this variant is currently unknown. This variant has not been reported in the literature in individuals affected with NFAT5-related conditions. This variant results in the deletion of exon 15 and part of exon 16 (c.4132+9_*1295del) of the NFAT5 gene. While this deletion is not anticipated to lead to nonsense mediated decay, it is expected to alter mRNA translation or result in a truncated protein product.